The following is an entry in ClinVar:

NM_012335.4(MYO1F):c.2461G>A (p.Gly821Arg)

Gene: MYO1F (myosin IF; minus strand). Cytogenetic location: 19p13.2.
Variant type: single nucleotide variant.
Coding change: c.2461G>A on transcript NM_012335.4 (MANE Select); coding-DNA position 2461, G replaced by A.
Protein change: p.Gly821Arg; replaces glycine 821 with arginine.
Molecular consequence: missense variant.
Genome position (GRCh38, 1-based): chr19:8,527,351, C>T on the plus strand (G>A on the coding strand, the complement: MYO1F is on the minus strand). VCF-style: chr19-8527351-C-T. GRCh37 (hg19) VCF-style: chr19-8592235-C-T.
Other names: c.2449G>A, p.Gly817Arg (NM_001348355.2); short protein forms G817R, G821R.
Identifiers: ClinVar variation 682303 (VCV000682303.2), dbSNP rs200225777, ClinGen allele CA9158885.

ClinVar aggregate classification (germline): Likely benign. Review status: criteria provided, multiple submitters, no conflicts (2 of 4 stars). 2 submissions from 2 submitters: Likely benign (2). Last evaluated 2018-05-23.

Allele frequency attached by ClinVar (database versions not stated): ESP Exome Variant Server 0.00008; gnomAD exomes 0.00010; ExAC 0.00011; gnomAD 0.00012 and 0.00016; TOPMed 0.00014; 1000 Genomes Project 30x 0.00016; 1000 Genomes Project 0.00020.
gnomAD v4.1: 149 of 1,614,036 alleles (0.0092%); highest among the groups gnomAD compares: Middle Eastern, 0.033%; no homozygotes.

Submissions (2):

GeneDx
Classification: Likely benign. Last evaluated: 2018-05-23. Review status: criteria provided, single submitter. Criteria: GeneDx Variant Classification (06012015). Collection method: clinical testing. Allele origin: germline. Affected: yes.
Comment: This variant is considered likely benign or benign based on one or more of the following criteria: it is a conservative change, it occurs at a poorly conserved position in the protein, it is predicted to be benign by multiple in silico algorithms, and/or has population frequency not consistent with disease.

Breakthrough Genomics
Classification: Likely benign. Review status: criteria provided, single submitter. Criteria: ACMG Guidelines, 2015. Collection method: not provided. Allele origin: germline. Inheritance: Unknown mechanism. Affected: yes.